The following is an entry in ClinVar:

NM_004183.4(BEST1):c.767A>G (p.Gln256Arg)

Gene: BEST1 (bestrophin 1; plus strand). Cytogenetic location: 11q12.3.
Variant type: single nucleotide variant.
Coding change: c.767A>G on transcript NM_004183.4 (MANE Select); coding-DNA position 767, A replaced by G.
Protein change: p.Gln256Arg; replaces glutamine 256 with arginine.
Molecular consequence: missense variant. On other transcripts: non-coding transcript variant (1).
Genome position (GRCh38, 1-based): chr11:61,958,198, A>G. VCF-style: chr11-61958198-A-G. GRCh37 (hg19) VCF-style: chr11-61725670-A-G.
Other names: c.587A>G, p.Gln196Arg (NM_001139443.3, NM_001300786.2, NM_001300787.2); c.449A>G, p.Gln150Arg (NM_001363591.3); c.767A>G, p.Gln256Arg (NM_001363592.2); c.-409A>G (NM_001363593.3); short protein forms Q150R, Q196R, Q256R.
Identifiers: ClinVar variation 1057341 (VCV001057341.10), dbSNP rs1420999724, ClinGen allele CA380839693.

ClinVar aggregate classification (germline): Conflicting classifications of pathogenicity. Review status: criteria provided, conflicting classifications (1 of 4 stars). 2 submissions from 2 submitters: Likely pathogenic (1); Uncertain significance (1). Last evaluated 2026-01-26.

Allele frequency attached by ClinVar (database versions not stated): gnomAD exomes below 0.00001.
gnomAD v4.1: 1 of 1,614,072 alleles (0.000062%); highest among the groups gnomAD compares: Admixed American, 0.0017%; no homozygotes.

Submissions (2):

Labcorp Genetics (formerly Invitae), Labcorp
Classification: Likely pathogenic. Last evaluated: 2026-01-26. Review status: criteria provided, single submitter. Criteria: Invitae Variant Classification Sherloc (09022015). Collection method: clinical testing. Allele origin: germline.
Comment: This sequence change replaces glutamine, which is neutral and polar, with arginine, which is basic and polar, at codon 256 of the BEST1 protein (p.Gln256Arg). This variant is present in population databases (no rsID available, gnomAD 0.003%). This missense change has been observed in individuals with autosomal recessive bestrophinopathy and/or BEST1-related conditions (PMID: 31519547, 32278767, 39048936). ClinVar contains an entry for this variant (Variation ID: 1057341). Invitae Evidence Modeling of protein sequence and biophysical properties (such as structural, functional, and spatial information, amino acid conservation, physicochemical variation, residue mobility, and thermodynamic stability) indicates that this missense variant is expected to disrupt BEST1 protein function with a positive predictive value of 95%. In summary, the currently available evidence indicates that the variant is pathogenic, but additional data are needed to prove that conclusively. Therefore, this variant has been classified as Likely Pathogenic.

Blueprint Genetics
Classification: Uncertain significance. Last evaluated: 2022-10-26. Review status: criteria provided, single submitter. Criteria: ACMG Guidelines, 2015. Collection method: clinical testing. Allele origin: germline.

Literature cited by the submitters: PubMed 31519547 (cited by Labcorp Genetics (formerly Invitae), Labcorp); PubMed 32278767 (cited by Labcorp Genetics (formerly Invitae), Labcorp); PubMed 39048936 (cited by Labcorp Genetics (formerly Invitae), Labcorp).